The following is an entry in ClinVar:

ClinVar aggregate classification (germline): Likely benign (1 of 4 stars; one submission).

Conditions:
MELAS syndrome (MELAS). Also called: Juvenile myopathy, encephalopathy, lactic acidosis, stroke. Identifiers: Orphanet 550, MedGen C0162671, MONDO:0010789, OMIM 540000.

Submission:

Wong Mito Lab, Molecular and Human Genetics, Baylor College of Medicine
Classification: Likely benign for MELAS syndrome. Last evaluated: 2019-07-12. Review status: criteria provided, single submitter. Criteria: Modified ACMG Guidelines (Unpublished). Collection method: clinical testing. Allele origin: germline.
Comment: The NC_012920.1:m.15937delA variant in MT-TT gene is interpreted to be a Likely Benign variant based on the modified ACMG guidelines (unpublished). This variant meets the following evidence codes reported in the guidelines: BS4, BP4

Literature cited by the submitters: PubMed 31965079; PubMed 18178636.

NC_012920.1(MT-TT):m.15937del

Gene: MT-TT (mitochondrially encoded tRNA threonine; plus strand).
Variant type: Deletion.
Genome position: chrM-15933-GA-G.
Identifiers: ClinVar variation 690245 (VCV000690245.1), dbSNP rs1603225604, ClinGen allele CA915952152.